The following is an entry in ClinVar:

ClinVar aggregate classification (germline): Conflicting classifications of pathogenicity. Review status: criteria provided, conflicting classifications (1 of 4 stars). 4 submissions from 4 submitters: Pathogenic (1); Likely pathogenic (1); Uncertain significance (1). 1 of the submissions does not count toward it. Last evaluated 2025-02-27.

Conditions:
Mucopolysaccharidosis, type vi, mild. Identifiers: MedGen C4017254.
Mucopolysaccharidosis type 6 (MPS6). Also called: MPS 6; Maroteaux Lamy syndrome; N-ACETYLGALACTOSAMINE-4-SULFATASE DEFICIENCY; ARSB DEFICIENCY; ARYLSULFATASE B DEFICIENCY; MPS VI. Identifiers: Orphanet 583, MedGen C0026709, MONDO:0009661, OMIM 253200.

Allele frequency attached by ClinVar (database versions not stated): gnomAD exomes below 0.00001; TOPMed below 0.00001.
gnomAD v4.1: 3 of 1,614,090 alleles (0.00019%); highest among the groups gnomAD compares: Non-Finnish European, 0.00025%; no homozygotes.

Submissions (4):

Natera, Inc.
Classification: Likely pathogenic for Mucopolysaccharidosis type VI. Last evaluated: 2025-02-27. Review status: criteria provided, single submitter. Criteria: Natera Variant Classification Schema (03/2026). Collection method: clinical testing. Allele origin: germline.
Comment: The c.707T>C variant in ARSB is a missense variant predicted to cause substitution of leucine to proline at amino acid 236. This variant is rare in the general population with a frequency below the threshold expected for the associated phenotype(s). This variant has been observed in one or more individuals affected with the associated recessive disease, as either homozygous or compound heterozygous with a second variant (PMID: 14974081). Computational prediction algorithms indicate this variant is likely to affect gene or protein function. Given the available evidence, this variant is classified as Likely Pathogenic.

Labcorp Genetics (formerly Invitae), Labcorp
Classification: Pathogenic for Mucopolysaccharidosis type 6. Last evaluated: 2023-07-25. Review status: criteria provided, single submitter. Criteria: Invitae Variant Classification Sherloc (09022015). Collection method: clinical testing. Allele origin: germline.
Comment: This variant is not present in population databases (gnomAD no frequency). This missense change has been observed in individual(s) with mucopolysaccharidosis type VI (PMID: 1550123, 14974081). ClinVar contains an entry for this variant (Variation ID: 879). Advanced modeling of protein sequence and biophysical properties (such as structural, functional, and spatial information, amino acid conservation, physicochemical variation, residue mobility, and thermodynamic stability) performed at Invitae indicates that this missense variant is expected to disrupt ARSB protein function. For these reasons, this variant has been classified as Pathogenic. This sequence change replaces leucine, which is neutral and non-polar, with proline, which is neutral and non-polar, at codon 236 of the ARSB protein (p.Leu236Pro).

Laboratory of Diagnosis and Therapy of Lysosomal Disorders, University of Padova
Classification: Uncertain significance for Mucopolysaccharidosis type 6. Last evaluated: 2018-01-01. Review status: criteria provided, single submitter. Criteria: ACMG Guidelines, 2015. Collection method: curation. Allele origin: germline. Affected: yes.
Comment: Absent from GnomAD (PM2); Reputable source identifies as pathogenic (PP5)

OMIM
Classification: Pathogenic for MUCOPOLYSACCHARIDOSIS, TYPE VI, MILD. Last evaluated: 1992-04-01. Review status: no assertion criteria provided. Collection method: literature only. Allele origin: germline. Not counted in ClinVar's aggregate classification.

Literature cited by the submitters: PubMed 14974081 (cited by 3 submitters); PubMed 1550123 (cited by 3 submitters); PubMed 30118150 (cited by Laboratory of Diagnosis and Therapy of Lysosomal Disorders, University of Padova).

NM_000046.5(ARSB):c.707T>C (p.Leu236Pro)

Gene: ARSB (arylsulfatase B; minus strand). Cytogenetic location: 5q14.1.
Variant type: single nucleotide variant.
Coding change: c.707T>C on transcript NM_000046.5 (MANE Select); coding-DNA position 707, T replaced by C.
Protein change: p.Leu236Pro; replaces leucine 236 with proline.
Molecular consequence: missense variant.
Genome position (GRCh38, 1-based): chr5:78,955,486, A>G on the plus strand (T>C on the coding strand, the complement: ARSB is on the minus strand). VCF-style: chr5-78955486-A-G. GRCh37 (hg19) VCF-style: chr5-78251309-A-G.
Other names: c.707T>C, p.Leu236Pro (NM_198709.3); short protein forms L236P.
Identifiers: ClinVar variation 879 (VCV000000879.12), dbSNP rs118203940, ClinGen allele CA114602.